The following is an entry in ClinVar:

ClinVar aggregate classification (germline): Pathogenic/Likely pathogenic. Review status: criteria provided, multiple submitters, no conflicts (2 of 4 stars). 7 submissions from 7 submitters: Pathogenic (3); Likely pathogenic (3). 1 of the submissions does not count toward it. Last evaluated 2026-08-18.

Conditions:
Usher syndrome type 2. Also called: Usher Syndrome Type II. Identifiers: Orphanet 231178, MedGen C0339534, MONDO:0016484.
Usher syndrome type 2A. Also called: RETINAL DISEASE IN USHER SYNDROME TYPE IIA, MODIFIER OF; USHER SYNDROME, TYPE IIA. Identifiers: Orphanet 231178, Orphanet 886, MedGen C1848634, MONDO:0010169, OMIM 276901.
USH2A-related disorder. Also called: USH2A-related condition; USH2A-related disorders. Identifiers: MedGen CN239332.
Retinitis pigmentosa 39 (RP39). Identifiers: Orphanet 791, MedGen C3151138, MONDO:0013436, OMIM 613809.

Submissions (7):

PreventionGenetics, part of Exact Sciences
Classification: Likely pathogenic for USH2A-related condition. Last evaluated: 2026-08-18. Review status: criteria provided, single submitter. Criteria: ACMG Guidelines, 2015. Collection method: clinical testing. Allele origin: germline.
Comment: The USH2A c.9914_9915delAG variant is predicted to result in a frameshift and premature protein termination (p.Glu3305Valfs*40). This variant was reported in an individual with retinitis pigmentosa, although information on a second potentially causative variant was not provided (Ordoñez-Labastida et al. 2023. PubMed ID: 37287646). This variant is reported in 0.0029% of alleles in individuals of Latino descent in gnomAD. Frameshift variants in USH2A are expected to be pathogenic. This variant is interpreted as likely pathogenic.

Myriad Genetics, Inc.
Classification: Pathogenic for USH2A-related disorder. Last evaluated: 2026-05-19. Review status: criteria provided, single submitter. Criteria: Myriad Autosomal Dominant, Autosomal Recessive and X-Linked Classification Criteria (2023). Collection method: clinical testing. Allele origin: unknown.
Comment: NM_206933.2(USH2A):c.9914_9915delAG(E3305Vfs*40) is a frameshift variant classified as pathogenic in the context of USH2A-related disorders. E3305Vfs*40 has been observed in a case with relevant disease (PMID: 37287646). Relevant functional assessments of this variant are not available in the literature. E3305Vfs*40 has been observed in referenced population frequency databases. In summary, NM_206933.2(USH2A):c.9914_9915delAG(E3305Vfs*40) is a frameshift variant in a gene where loss of function is a known mechanism of disease, is predicted to disrupt protein function, and has been observed more frequently in cases with the relevant disease than in healthy populations. Please note: this variant was assessed in the context of healthy population screening.

3billion
Classification: Pathogenic for Usher syndrome type 2A. Last evaluated: 2025-02-18. Review status: criteria provided, single submitter. Criteria: ACMG Guidelines, 2015. Collection method: clinical testing. Allele origin: germline. Affected: yes.
Comment: The variant is observed at an extremely low frequency in the gnomAD v4.1.0 dataset (total allele frequency: <0.001%). Predicted Consequence/Location: Frameshift: predicted to result in a loss or disruption of normal protein function through nonsense-mediated decay (NMD) or protein truncation. Multiple pathogenic variants are reported downstream of the variant. The variant has been reported at least twice as pathogenic without evidence for the classification (ClinVar ID: VCV001727007). Therefore, this variant is classified as Pathogenic according to the recommendation of ACMG/AMP guideline.

Baylor Genetics
Classification: Likely pathogenic for Retinitis pigmentosa 39. Last evaluated: 2023-04-27. Review status: criteria provided, single submitter. Criteria: ACMG Guidelines, 2015. Collection method: clinical testing. Allele origin: unknown.

Labcorp Genetics (formerly Invitae), Labcorp
Classification: Pathogenic. Last evaluated: 2022-05-10. Review status: criteria provided, single submitter. Criteria: Invitae Variant Classification Sherloc (09022015). Collection method: clinical testing. Allele origin: germline.
Comment: For these reasons, this variant has been classified as Pathogenic. This variant has not been reported in the literature in individuals affected with USH2A-related conditions. This variant is present in population databases (no rsID available, gnomAD 0.003%). This sequence change creates a premature translational stop signal (p.Glu3305Valfs*40) in the USH2A gene. It is expected to result in an absent or disrupted protein product. Loss-of-function variants in USH2A are known to be pathogenic (PMID: 10729113, 10909849, 20507924, 25649381).

Blueprint Genetics
Classification: Likely pathogenic for USH2A-related disorders. Last evaluated: 2021-03-31. Review status: criteria provided, single submitter. Criteria: ACMG Guidelines, 2015. Collection method: clinical testing. Allele origin: germline. Affected: yes. Observed: 1 variant allele.

Ophthalmo-Genetics Lab, Instituto de Oftalmologia Conde de Valenciana
Classification: Likely pathogenic for Usher syndrome type 2. Last evaluated: 2022-11-14. Review status: no assertion criteria provided. Collection method: clinical testing. Allele origin: germline. Inheritance: Autosomal recessive inheritance. Affected: yes. Observed: 1 compound heterozygote. Not counted in ClinVar's aggregate classification.
Comment: Novel pathogenic variant. PP1 (manual), PP4 (manual), PM3 (manual), PVS1, PM2.

Literature cited by the submitters: PubMed 37287646 (cited by Myriad Genetics, Inc.); PubMed 10729113 (cited by Labcorp Genetics (formerly Invitae), Labcorp); PubMed 10909849 (cited by Labcorp Genetics (formerly Invitae), Labcorp); PubMed 20507924 (cited by Labcorp Genetics (formerly Invitae), Labcorp); PubMed 25649381 (cited by Labcorp Genetics (formerly Invitae), Labcorp); PubMed 35076463 (cited by Ophthalmo-Genetics Lab, Instituto de Oftalmologia Conde de Valenciana).

NM_206933.4(USH2A):c.9914_9915del (p.Glu3305fs)

Gene: USH2A (usherin; minus strand). Cytogenetic location: 1q41.
Variant type: Microsatellite.
Coding change: c.9914_9915del on transcript NM_206933.4 (MANE Select); coding-DNA positions 9914 to 9915, 2 bases deleted (AG; older notation c.9914_9915delAG).
Protein change: p.Glu3305fs; shifts the reading frame from glutamic acid 3305.
Molecular consequence: frameshift variant.
Genome position (GRCh38, 1-based): chr1:215,798,950-215,798,951, CT deleted on the plus strand (AG on the coding strand, the reverse complement: USH2A is on the minus strand); deleting any 2 consecutive bases within chr1:215,798,950-215,798,953 gives the same sequence; the c. name uses the placement nearest the transcript's 3' end. VCF-style (leftmost placement, unchanged base first): chr1-215798949-ACT-A. GRCh37 (hg19) VCF-style: chr1-215972291-ACT-A.
Other names: c.9914_9915delAG (NM_206933.2); short protein forms E3305fs.
Identifiers: ClinVar variation 1727007 (VCV001727007.10), dbSNP rs1445411802, ClinGen allele CA529002309.